The following is an entry in ClinVar:

ClinVar aggregate classification (germline): Pathogenic/Likely pathogenic. Review status: criteria provided, multiple submitters, no conflicts (2 of 4 stars). 2 submissions from 2 submitters: Pathogenic (1); Likely pathogenic (1). Last evaluated 2025-02-01.

Conditions:
ODAD2-related disorder. Also called: ODAD2-related condition.
Primary ciliary dyskinesia 23 (CILD23). Also called: CILIARY DYSKINESIA, PRIMARY, 23, WITH OR WITHOUT SITUS INVERSUS. Identifiers: Orphanet 244, MedGen C3809548, MONDO:0014193, OMIM 615451.

Allele frequency attached by ClinVar (database versions not stated): gnomAD below 0.00001 and 0.00001; ExAC 0.00001; gnomAD exomes 0.00001.
gnomAD v4.1: 3 of 1,613,766 alleles (0.00019%); highest among the groups gnomAD compares: South Asian, 0.0033%; no homozygotes.

Submissions (2):

Labcorp Genetics (formerly Invitae), Labcorp
Classification: Pathogenic for Primary ciliary dyskinesia 23. Last evaluated: 2025-02-01. Review status: criteria provided, single submitter. Criteria: Invitae Variant Classification Sherloc (09022015). Collection method: clinical testing. Allele origin: germline.
Comment: This sequence change creates a premature translational stop signal (p.Trp359*) in the ARMC4 gene. It is expected to result in an absent or disrupted protein product. Loss-of-function variants in ARMC4 are known to be pathogenic (PMID: 23849778). This variant is present in population databases (rs768447289, gnomAD 0.006%). This variant has not been reported in the literature in individuals affected with ARMC4-related conditions. ClinVar contains an entry for this variant (Variation ID: 571362). For these reasons, this variant has been classified as Pathogenic.

Blueprint Genetics
Classification: Likely pathogenic for ODAD2-related disorders. Last evaluated: 2021-11-18. Review status: criteria provided, single submitter. Criteria: ACMG Guidelines, 2015. Collection method: clinical testing. Allele origin: germline. Affected: yes. Observed: 1 variant allele.

Literature cited by the submitters: PubMed 23849778 (cited by Labcorp Genetics (formerly Invitae), Labcorp).

NM_018076.5(ODAD2):c.1076G>A (p.Trp359Ter)

Gene: ODAD2 (outer dynein arm docking complex subunit 2; minus strand). Cytogenetic location: 10p12.1.
Variant type: single nucleotide variant.
Coding change: c.1076G>A on transcript NM_018076.5 (MANE Select); coding-DNA position 1076, G replaced by A.
Protein change: p.Trp359Ter; replaces tryptophan 359 with a stop codon.
Molecular consequence: nonsense. On other transcripts: intron variant (1).
Genome position (GRCh38, 1-based): chr10:27,971,174, C>T on the plus strand (G>A on the coding strand, the complement: ODAD2 is on the minus strand). VCF-style: chr10-27971174-C-T. GRCh37 (hg19) VCF-style: chr10-28260103-C-T.
Other names: c.1076G>A, p.Trp359Ter (NM_001290020.2); c.152G>A, p.Trp51Ter (NM_001312689.2); c.-187-9459G>A (NM_001290021.2); short protein forms W359*, W51*.
Identifiers: ClinVar variation 571362 (VCV000571362.4), dbSNP rs768447289, ClinGen allele CA5453641.